The following is an entry in ClinVar:

NM_001278116.2(L1CAM):c.1103T>A (p.Ile368Asn)

Gene: L1CAM (L1 cell adhesion molecule; minus strand). Cytogenetic location: Xq28.
Variant type: single nucleotide variant.
Coding change: c.1103T>A on transcript NM_001278116.2 (MANE Select); coding-DNA position 1103, T replaced by A.
Protein change: p.Ile368Asn; replaces isoleucine 368 with asparagine.
Molecular consequence: missense variant.
Genome position (GRCh38, 1-based): chrX:153,869,823, A>T on the plus strand (T>A on the coding strand, the complement: L1CAM is on the minus strand). VCF-style: chrX-153869823-A-T. GRCh37 (hg19) VCF-style: chrX-153135278-A-T.
Other names: c.1103T>A, p.Ile368Asn (NM_024003.3, NM_000425.5); c.1088T>A, p.Ile363Asn (NM_001143963.2); short protein forms I363N, I368N.
Identifiers: ClinVar variation 1196858 (VCV001196858.2), dbSNP rs2148497631, ClinGen allele CA415130447.

ClinVar aggregate classification (germline): Likely pathogenic (1 of 4 stars; one submission).

Submission:

GeneDx
Classification: Likely pathogenic. Last evaluated: 2020-09-14. Review status: criteria provided, single submitter. Criteria: GeneDx Variant Classification Process June 2021. Collection method: clinical testing. Allele origin: germline. Affected: yes.
Comment: Not observed in large population cohorts (Lek et al., 2016); In silico analysis, which includes protein predictors and evolutionary conservation, supports a deleterious effect; This variant is associated with the following publications: (PMID: 31912665)